The following is an entry in ClinVar:

ClinVar aggregate classification (germline): Uncertain significance. Review status: criteria provided, multiple submitters, no conflicts (2 of 4 stars). 2 submissions from 2 submitters: Uncertain significance (2). Last evaluated 2026-04-22.

Conditions:
Inborn genetic diseases. Identifiers: MedGen C0950123, MeSH D030342.

gnomAD v4.1: 1 of 1,613,746 alleles (0.000062%); highest among the groups gnomAD compares: Non-Finnish European, 0.000085%; no homozygotes.

Submissions (2):

Ambry Genetics
Classification: Uncertain significance for Inborn genetic diseases. Last evaluated: 2026-04-22. Review status: criteria provided, single submitter. Criteria: Ambry Variant Classification Scheme 2023. Collection method: clinical testing. Allele origin: germline.

Labcorp Genetics (formerly Invitae), Labcorp
Classification: Uncertain significance. Last evaluated: 2024-12-10. Review status: criteria provided, single submitter. Criteria: Invitae Variant Classification Sherloc (09022015). Collection method: clinical testing. Allele origin: germline.
Comment: This sequence change replaces arginine, which is basic and polar, with isoleucine, which is neutral and non-polar, at codon 669 of the KMT2E protein (p.Arg669Ile). This variant is not present in population databases (gnomAD no frequency). This variant has not been reported in the literature in individuals affected with KMT2E-related conditions. Invitae Evidence Modeling of protein sequence and biophysical properties (such as structural, functional, and spatial information, amino acid conservation, physicochemical variation, residue mobility, and thermodynamic stability) has been performed for this missense variant. However, the output from this modeling did not meet the statistical confidence thresholds required to predict the impact of this variant on KMT2E protein function. In summary, the available evidence is currently insufficient to determine the role of this variant in disease. Therefore, it has been classified as a Variant of Uncertain Significance.

NM_182931.3(KMT2E):c.2006G>T (p.Arg669Ile)

Gene: KMT2E (lysine methyltransferase 2E (inactive); plus strand). Cytogenetic location: 7q22.3.
Variant type: single nucleotide variant.
Coding change: c.2006G>T on transcript NM_182931.3 (MANE Select); coding-DNA position 2006, G replaced by T.
Protein change: p.Arg669Ile; replaces arginine 669 with isoleucine.
Molecular consequence: missense variant.
Genome position (GRCh38, 1-based): chr7:105,102,004, G>T. VCF-style: chr7-105102004-G-T. GRCh37 (hg19) VCF-style: chr7-104742451-G-T.
Other names: c.2006G>T (NM_182931.2); c.2006G>T, p.Arg669Ile (NM_001410908.1, NM_018682.4); short protein forms R669I.
Identifiers: ClinVar variation 3666309 (VCV003666309.3).